The following is an entry in ClinVar:

ClinVar aggregate classification (germline): Likely benign. Review status: criteria provided, multiple submitters, no conflicts (2 of 4 stars). 2 submissions from 2 submitters: Likely benign (2). Last evaluated 2025-02-13.

Conditions:
Adams-Oliver syndrome 5 (AOS5). Identifiers: Orphanet 974, MedGen C4014970, MONDO:0014459, OMIM 616028.

Submissions (2):

Labcorp Genetics (formerly Invitae), Labcorp
Classification: Likely benign for Adams-Oliver syndrome 5. Last evaluated: 2025-02-13. Review status: criteria provided, single submitter. Criteria: Invitae Variant Classification Sherloc (09022015). Collection method: clinical testing. Allele origin: germline.

GeneDx
Classification: Likely benign. Last evaluated: 2017-10-23. Review status: criteria provided, single submitter. Criteria: GeneDx Variant Classification (06012015). Collection method: clinical testing. Allele origin: germline. Affected: yes.
Comment: This variant is considered likely benign or benign based on one or more of the following criteria: it is a conservative change, it occurs at a poorly conserved position in the protein, it is predicted to be benign by multiple in silico algorithms, and/or has population frequency not consistent with disease.

NM_017617.5(NOTCH1):c.2853T>C (p.Ser951=)

Gene: NOTCH1 (notch receptor 1; minus strand). Cytogenetic location: 9q34.3.
Variant type: single nucleotide variant.
Coding change: c.2853T>C on transcript NM_017617.5 (MANE Select); coding-DNA position 2853, T replaced by C.
Protein change: p.Ser951=; no amino-acid change (serine 951 retained).
Molecular consequence: synonymous variant.
Genome position (GRCh38, 1-based): chr9:136,509,849, A>G on the plus strand (T>C on the coding strand, the complement: NOTCH1 is on the minus strand). VCF-style: chr9-136509849-A-G. GRCh37 (hg19) VCF-style: chr9-139404301-A-G.
Other names: c.2853T>C, p.Ser951= (LRG_1122t1).
Identifiers: ClinVar variation 512799 (VCV000512799.2), dbSNP rs1554728656, ClinGen allele CA467716164.